The following is an entry in ClinVar:

NM_052874.5(STX1B):c.837G>A (p.Ala279=)

Gene: STX1B (syntaxin 1B; minus strand). Cytogenetic location: 16p11.2.
Variant type: single nucleotide variant.
Coding change: c.837G>A on transcript NM_052874.5 (MANE Select); coding-DNA position 837, G replaced by A.
Protein change: p.Ala279=; no amino-acid change (alanine 279 retained).
Molecular consequence: synonymous variant.
Genome position (GRCh38, 1-based): chr16:30,992,851, C>T on the plus strand (G>A on the coding strand, the complement: STX1B is on the minus strand). VCF-style: chr16-30992851-C-T. GRCh37 (hg19) VCF-style: chr16-31004172-C-T.
Identifiers: ClinVar variation 542095 (VCV000542095.21), dbSNP rs150313069, ClinGen allele CA8018225.

ClinVar aggregate classification (germline): Benign/Likely benign. Review status: criteria provided, multiple submitters, no conflicts (2 of 4 stars). 6 submissions from 6 submitters: Benign (3); Likely benign (2). 1 of the submissions does not count toward it. Last evaluated 2026-02-03.

Conditions:
STX1B-related disorder. Also called: STX1B-related condition.
Inborn genetic diseases. Identifiers: MedGen C0950123, MeSH D030342.
Generalized epilepsy with febrile seizures plus, type 9 (GEFSP9). Also called: GEFS+, TYPE 9. Identifiers: Orphanet 36387, MedGen C4015395, MONDO:0014517, OMIM 616172.

Allele frequency attached by ClinVar (database versions not stated): gnomAD exomes 0.00036 and 0.00067; ExAC 0.00038; gnomAD 0.00062 and 0.00066; TOPMed 0.00079; ESP Exome Variant Server 0.00131.
gnomAD v4.1: 1,057 of 1,613,830 alleles (0.065%); highest among the groups gnomAD compares: African/African-American, 0.13%; no homozygotes.

Submissions (6):

Labcorp Genetics (formerly Invitae), Labcorp
Classification: Benign for Generalized epilepsy with febrile seizures plus, type 9. Last evaluated: 2026-02-03. Review status: criteria provided, single submitter. Criteria: Invitae Variant Classification Sherloc (09022015). Collection method: clinical testing. Allele origin: germline.

Blueprint Genetics
Classification: Likely benign. Last evaluated: 2024-10-09. Review status: criteria provided, single submitter. Criteria: ACMG Guidelines, 2015. Collection method: clinical testing. Allele origin: germline.

GeneDx
Classification: Benign. Last evaluated: 2019-05-30. Review status: criteria provided, single submitter. Criteria: GeneDx Variant Classification Process June 2021. Collection method: clinical testing. Allele origin: germline. Affected: yes.

Athena Diagnostics
Classification: Benign. Last evaluated: 2017-11-20. Review status: criteria provided, single submitter. Criteria: Athena Diagnostics Criteria. Collection method: clinical testing. Allele origin: germline.

Ambry Genetics
Classification: Likely benign for Inborn genetic diseases. Last evaluated: 2017-02-21. Review status: criteria provided, single submitter. Criteria: Ambry Variant Classification Scheme 2023. Collection method: clinical testing. Allele origin: germline.

PreventionGenetics, part of Exact Sciences
Classification: Likely benign for STX1B-related condition. Last evaluated: 2019-06-14. Review status: no assertion criteria provided. Collection method: clinical testing. Allele origin: germline. Not counted in ClinVar's aggregate classification.
Comment: This variant is classified as likely benign based on ACMG/AMP sequence variant interpretation guidelines (Richards et al. 2015 PMID: 25741868, with internal and published modifications).